The following is an entry in ClinVar:

ClinVar aggregate classification (germline): Likely pathogenic (1 of 4 stars; one submission).

Conditions:
Neuronopathy, distal hereditary motor, type 7A. Also called: HARPER-YOUNG MYOPATHY; HMN VIIA; NEURONOPATHY, DISTAL HEREDITARY MOTOR, HARDING TYPE VIIA; NEUROPATHY, DISTAL HEREDITARY MOTOR, HARDING TYPE VIIA; Neuronopathy, distal hereditary motor, autosomal dominant 7; Neuronopathy, distal hereditary motor, type viia. Identifiers: Orphanet 139589, MedGen C1834703, MONDO:0008024, OMIM 158580.
Congenital myasthenic syndrome 20. Also called: Myasthenic syndrome, congenital, 20, presynaptic. Identifiers: MedGen C4310694, MONDO:0014939, OMIM 617143.

Submission:

Labcorp Genetics (formerly Invitae), Labcorp
Classification: Likely pathogenic for Neuronopathy, distal hereditary motor, type 7A; Congenital myasthenic syndrome 20. Last evaluated: 2025-03-07. Review status: criteria provided, single submitter. Criteria: Invitae Variant Classification Sherloc (09022015). Collection method: clinical testing. Allele origin: germline.
Comment: This sequence change affects a donor splice site in intron 3 of the SLC5A7 gene. It is expected to disrupt RNA splicing. Variants that disrupt the donor or acceptor splice site typically lead to a loss of protein function (PMID: 16199547), and loss-of-function variants in SLC5A7 are known to be pathogenic (PMID: 15173594, 27569547, 39135055). This variant is not present in population databases (gnomAD no frequency). This variant has not been reported in the literature in individuals affected with SLC5A7-related conditions. ClinVar contains an entry for this variant (Variation ID: 1009672). Algorithms developed to predict the effect of sequence changes on RNA splicing suggest that this variant may disrupt the consensus splice site. In summary, the currently available evidence indicates that the variant is pathogenic, but additional data are needed to prove that conclusively. Therefore, this variant has been classified as Likely Pathogenic.

Literature cited by the submitters: PubMed 16199547; PubMed 15173594; PubMed 27569547; PubMed 39135055.

NM_021815.5(SLC5A7):c.292+1G>A

Gene: SLC5A7 (solute carrier family 5 member 7; plus strand). Cytogenetic location: 2q12.3.
Variant type: single nucleotide variant.
Coding change: c.292+1G>A on transcript NM_021815.5 (MANE Select); the canonical splice donor site of the intron after coding-DNA position 292, G replaced by A.
Molecular consequence: splice donor variant.
Genome position (GRCh38, 1-based): chr2:107,992,220, G>A. VCF-style: chr2-107992220-G-A. GRCh37 (hg19) VCF-style: chr2-108608676-G-A.
Other names: c.-413+1G>A (NM_001305007.3); c.292+1G>A (NM_001305005.3); c.-24+1G>A (NM_001305006.3).
Identifiers: ClinVar variation 1009672 (VCV001009672.5), dbSNP rs1677478183, ClinGen allele CA348020645.